The following is an entry in ClinVar:

ClinVar aggregate classification (germline): Uncertain significance (1 of 4 stars; one submission).

Conditions:
Primary ciliary dyskinesia. Also called: Ciliary dyskinesia. Identifiers: Orphanet 244, MedGen C0008780, MONDO:0016575, HP:0012265.

Submission:

Labcorp Genetics (formerly Invitae), Labcorp
Classification: Uncertain significance for Primary ciliary dyskinesia. Last evaluated: 2022-05-11. Review status: criteria provided, single submitter. Criteria: Invitae Variant Classification Sherloc (09022015). Collection method: clinical testing. Allele origin: germline.
Comment: This sequence change replaces threonine, which is neutral and polar, with serine, which is neutral and polar, at codon 1229 of the DNAH8 protein (p.Thr1229Ser). This variant is not present in population databases (gnomAD no frequency). Algorithms developed to predict the effect of missense changes on protein structure and function output the following: SIFT: "Tolerated"; PolyPhen-2: "Not Available"; Align-GVGD: "Class C0". The serine amino acid residue is found in multiple mammalian species, which suggests that this missense change does not adversely affect protein function. This variant has not been reported in the literature in individuals affected with DNAH8-related conditions. In summary, the available evidence is currently insufficient to determine the role of this variant in disease. Therefore, it has been classified as a Variant of Uncertain Significance.

NM_001206927.2(DNAH8):c.3686C>G (p.Thr1229Ser)

Gene: DNAH8 (dynein axonemal heavy chain 8; plus strand). Cytogenetic location: 6p21.2.
Variant type: single nucleotide variant.
Coding change: c.3686C>G on transcript NM_001206927.2 (MANE Select); coding-DNA position 3686, C replaced by G.
Protein change: p.Thr1229Ser; replaces threonine 1229 with serine.
Molecular consequence: missense variant.
Genome position (GRCh38, 1-based): chr6:38,823,000, C>G. VCF-style: chr6-38823000-C-G. GRCh37 (hg19) VCF-style: chr6-38790776-C-G.
Other names: c.3035C>G, p.Thr1012Ser (NM_001371.4); short protein forms T1229S, T1012S.
Identifiers: ClinVar variation 1993061 (VCV001993061.4), dbSNP rs138719382, ClinGen allele CA363992461.